The following is an entry in ClinVar:

NM_001376.5(DYNC1H1):c.4542+232A>G

Gene: DYNC1H1 (dynein cytoplasmic 1 heavy chain 1; plus strand). Cytogenetic location: 14q32.31.
Variant type: single nucleotide variant.
Coding change: c.4542+232A>G on transcript NM_001376.5 (MANE Select); 232 bases into the intron after coding-DNA position 4542, A replaced by G.
Molecular consequence: intron variant.
Genome position (GRCh38, 1-based): chr14:102,001,913, A>G. VCF-style: chr14-102001913-A-G. GRCh37 (hg19) VCF-style: chr14-102468250-A-G.
Identifiers: ClinVar variation 679344 (VCV000679344.1), dbSNP rs2180509, ClinGen allele CA15802436.

ClinVar aggregate classification (germline): Benign (1 of 4 stars; one submission).

Allele frequency attached by ClinVar (database versions not stated): gnomAD 0.32568; TOPMed 0.35002; 1000 Genomes Project 0.37580; 1000 Genomes Project 30x 0.38054.
gnomAD v4.1: 50,302 of 151,924 alleles (33%); highest among the groups gnomAD compares: African/African-American, 67%; 11,704 homozygotes.

Submission:

GeneDx
Classification: Benign. Last evaluated: 2018-06-18. Review status: criteria provided, single submitter. Criteria: GeneDx Variant Classification (06012015). Collection method: clinical testing. Allele origin: germline. Affected: yes.
Comment: This variant is considered likely benign or benign based on one or more of the following criteria: it is a conservative change, it occurs at a poorly conserved position in the protein, it is predicted to be benign by multiple in silico algorithms, and/or has population frequency not consistent with disease.